The following is an entry in ClinVar:

ClinVar aggregate classification (germline): Uncertain significance. Review status: criteria provided, multiple submitters, no conflicts (2 of 4 stars). 2 submissions from 2 submitters: Uncertain significance (2). Last evaluated 2025-12-02.

Conditions:
Charcot-Marie-Tooth disease type 4. Also called: Charcot-Marie-Tooth, Type 4; Charcot-Marie-Tooth disease, type IV. Identifiers: Orphanet 64749, MedGen C4082197, MONDO:0018995.
PRX-related disorder. Also called: PRX-related condition; PRX-Related Disorders.

Allele frequency attached by ClinVar (database versions not stated): gnomAD exomes below 0.00001; TOPMed below 0.00001; ExAC 0.00001.
gnomAD v4.1: 3 of 1,608,536 alleles (0.00019%); highest among the groups gnomAD compares: East Asian, 0.0022%; no homozygotes.

Submissions (2):

PreventionGenetics, part of Exact Sciences
Classification: Uncertain significance for PRX-related condition. Last evaluated: 2025-12-02. Review status: criteria provided, single submitter. Criteria: ACMG Guidelines, 2015. Collection method: clinical testing. Allele origin: germline.
Comment: The PRX c.35G>C variant is predicted to result in the amino acid substitution p.Arg12Thr. To our knowledge, this variant has not been reported in the literature. This variant is reported in 0.0057% of alleles in individuals of East Asian descent in gnomAD. At this time, the clinical significance of this variant is uncertain due to the absence of conclusive functional and genetic evidence.

Labcorp Genetics (formerly Invitae), Labcorp
Classification: Uncertain significance for Charcot-Marie-Tooth disease type 4. Last evaluated: 2022-05-28. Review status: criteria provided, single submitter. Criteria: Invitae Variant Classification Sherloc (09022015). Collection method: clinical testing. Allele origin: germline.
Comment: This sequence change replaces arginine, which is basic and polar, with threonine, which is neutral and polar, at codon 12 of the PRX protein (p.Arg12Thr). This variant is present in population databases (rs756238091, gnomAD 0.006%). This variant has not been reported in the literature in individuals affected with PRX-related conditions. Algorithms developed to predict the effect of missense changes on protein structure and function are either unavailable or do not agree on the potential impact of this missense change (SIFT: "Deleterious"; PolyPhen-2: "Not Available"; Align-GVGD: "Class C0"). In summary, the available evidence is currently insufficient to determine the role of this variant in disease. Therefore, it has been classified as a Variant of Uncertain Significance.

NM_181882.3(PRX):c.35G>C (p.Arg12Thr)

Genes: PRX (periaxin; minus strand), LOC130064454 (ATAC-STARR-seq lymphoblastoid active region 14650; plus strand). Cytogenetic location: 19q13.2.
Variant type: single nucleotide variant.
Coding change: c.35G>C on transcript NM_181882.3 (MANE Select); coding-DNA position 35, G replaced by C.
Protein change: p.Arg12Thr; replaces arginine 12 with threonine.
Molecular consequence: missense variant.
Genome position (GRCh38, 1-based): chr19:40,403,855, C>G on the plus strand (G>C on the coding strand, the complement: PRX is on the minus strand). VCF-style: chr19-40403855-C-G. GRCh37 (hg19) VCF-style: chr19-40909762-C-G.
Other names: c.320G>C, p.Arg107Thr (NM_001411127.1); c.35G>C, p.Arg12Thr (NM_020956.2); short protein forms R12T, R107T.
Identifiers: ClinVar variation 2164124 (VCV002164124.5), dbSNP rs756238091, ClinGen allele CA9444597.